The following is an entry in ClinVar:

NM_003072.5(SMARCA4):c.1056C>G (p.Ile352Met)

Gene: SMARCA4 (SWI/SNF related BAF chromatin remodeling complex subunit ATPase 4; plus strand). Cytogenetic location: 19p13.2.
Variant type: single nucleotide variant.
Coding change: c.1056C>G on transcript NM_003072.5 (MANE Select); coding-DNA position 1056, C replaced by G.
Protein change: p.Ile352Met; replaces isoleucine 352 with methionine.
Molecular consequence: missense variant. On other transcripts: non-coding transcript variant (1).
Genome position (GRCh38, 1-based): chr19:10,987,862, C>G. VCF-style: chr19-10987862-C-G. GRCh37 (hg19) VCF-style: chr19-11098538-C-G.
Other names: c.1056C>G, p.Ile352Met (NM_001128845.2, NM_001128846.2, NM_001128847.4 and 6 more transcripts); short protein forms I352M.
Identifiers: ClinVar variation 4825112 (VCV004825112.1).

ClinVar aggregate classification (germline): Uncertain significance (1 of 4 stars; one submission).

Conditions:
Hereditary cancer-predisposing syndrome. Also called: Neoplastic Syndromes, Hereditary; Tumor predisposition; Hereditary Cancer Syndrome; Hereditary neoplastic syndrome. Identifiers: Orphanet 140162, MedGen C0027672, MeSH D009386, MONDO:0015356.

gnomAD v4.1: 1 of 1,612,700 alleles (0.000062%); highest among the groups gnomAD compares: Non-Finnish European, 0.000085%; no homozygotes.

Submission:

Ambry Genetics
Classification: Uncertain significance for Hereditary cancer-predisposing syndrome. Last evaluated: 2026-01-17. Review status: criteria provided, single submitter. Criteria: Ambry Variant Classification Scheme 2023. Collection method: clinical testing. Allele origin: germline.
Comment: The p.I352M variant (also known as c.1056C>G), located in coding exon 5 of the SMARCA4 gene, results from a C to G substitution at nucleotide position 1056. The isoleucine at codon 352 is replaced by methionine, an amino acid with highly similar properties. This amino acid position is conserved. In addition, the in silico prediction for this alteration is inconclusive. Based on the available evidence, the clinical significance of this variant remains unclear.